The following is an entry in ClinVar:

ClinVar aggregate classification (germline): Uncertain significance (1 of 4 stars; one submission).

Submission:

Labcorp Genetics (formerly Invitae), Labcorp
Classification: Uncertain significance. Last evaluated: 2024-09-22. Review status: criteria provided, single submitter. Criteria: Invitae Variant Classification Sherloc (09022015). Collection method: clinical testing. Allele origin: germline.
Comment: This sequence change replaces phenylalanine, which is neutral and non-polar, with cysteine, which is neutral and slightly polar, at codon 387 of the CSGALNACT1 protein (p.Phe387Cys). This variant is not present in population databases (gnomAD no frequency). This variant has not been reported in the literature in individuals affected with CSGALNACT1-related conditions. Invitae Evidence Modeling of protein sequence and biophysical properties (such as structural, functional, and spatial information, amino acid conservation, physicochemical variation, residue mobility, and thermodynamic stability) indicates that this missense variant is expected to disrupt CSGALNACT1 protein function with a positive predictive value of 80%. In summary, the available evidence is currently insufficient to determine the role of this variant in disease. Therefore, it has been classified as a Variant of Uncertain Significance.

NM_001354483.2(CSGALNACT1):c.1160T>G (p.Phe387Cys)

Gene: CSGALNACT1 (chondroitin sulfate N-acetylgalactosaminyltransferase 1; minus strand). Cytogenetic location: 8p21.3.
Variant type: single nucleotide variant.
Coding change: c.1160T>G on transcript NM_001354483.2 (MANE Select); coding-DNA position 1160, T replaced by G.
Protein change: p.Phe387Cys; replaces phenylalanine 387 with cysteine.
Molecular consequence: missense variant. On other transcripts: non-coding transcript variant (7).
Genome position (GRCh38, 1-based): chr8:19,418,723, A>C on the plus strand (T>G on the coding strand, the complement: CSGALNACT1 is on the minus strand). VCF-style: chr8-19418723-A-C. GRCh37 (hg19) VCF-style: chr8-19276234-A-C.
Other names: c.1160T>G, p.Phe387Cys (NM_001130518.2, NM_001354475.2, NM_001354476.2 and 18 more transcripts); short protein forms F387C.
Identifiers: ClinVar variation 3669573 (VCV003669573.2).